The following is an entry in ClinVar:

ClinVar aggregate classification (germline): Uncertain significance (1 of 4 stars; one submission).

Submission:

GeneDx
Classification: Uncertain significance. Last evaluated: 2026-04-15. Review status: criteria provided, single submitter. Criteria: GeneDx Variant Classification Process June 2021. Collection method: clinical testing. Allele origin: germline.
Comment: Not observed at significant frequency in large population cohorts (gnomAD); In silico analysis supports that this missense variant has a deleterious effect on protein structure/function; Has not been previously published as pathogenic or benign to our knowledge

NM_001080421.3(UNC13A):c.4750A>C (p.Lys1584Gln)

Gene: UNC13A (unc-13 homolog A; minus strand). Cytogenetic location: 19p13.11.
Variant type: single nucleotide variant.
Coding change: c.4750A>C on transcript NM_001080421.3 (MANE Select); coding-DNA position 4750, A replaced by C.
Protein change: p.Lys1584Gln; replaces lysine 1584 with glutamine.
Molecular consequence: missense variant.
Genome position (GRCh38, 1-based): chr19:17,610,001, T>G on the plus strand (A>C on the coding strand, the complement: UNC13A is on the minus strand). VCF-style: chr19-17610001-T-G. GRCh37 (hg19) VCF-style: chr19-17720810-T-G.
Other names: c.4738A>C, p.Lys1580Gln (NM_001387021.1); c.4735A>C, p.Lys1579Gln (NM_001387022.1); c.4669A>C, p.Lys1557Gln (NM_001387023.1); short protein forms K1557Q, K1579Q, K1580Q, K1584Q.
Identifiers: ClinVar variation 5037288 (VCV005037288.1).
Genomic context (GRCh38, chr19:17,610,001, plus strand): 5'-ACTGGAAGCTCTCATTGTACTTGGGAGCCCAGCTATTGTTCTTGGATTTGGTCGCAAACT[T>G]GCGTTTCTTGTCGCTGAGCTGGGGCCCAATGATGTTGACCTCGATGAACGGCCGGAAGAT-3'
Protein context (NP_001073890.2, residues 1574-1594): IGPQLSDKKR[Lys1584Gln]FATKSKNNSW